The following is an entry in ClinVar:

NM_015506.3(MMACHC):c.481C>G (p.Arg161Gly)

Gene: MMACHC (metabolism of cobalamin associated C; plus strand). Cytogenetic location: 1p34.1.
Variant type: single nucleotide variant.
Coding change: c.481C>G on transcript NM_015506.3 (MANE Select); coding-DNA position 481, C replaced by G.
Protein change: p.Arg161Gly; replaces arginine 161 with glycine.
Molecular consequence: missense variant.
Genome position (GRCh38, 1-based): chr1:45,508,847, C>G. VCF-style: chr1-45508847-C-G. GRCh37 (hg19) VCF-style: chr1-45974519-C-G.
Other names: p.Arg161Gly; c.481C>G (NM_015506.2); c.310C>G, p.Arg104Gly (NM_001330540.2); short protein forms R161G, R104G.
Identifiers: ClinVar variation 813351 (VCV000813351.15), dbSNP rs370596113, ClinGen allele CA340133167.

ClinVar aggregate classification (germline): Pathogenic/Likely pathogenic. Review status: criteria provided, multiple submitters, no conflicts (2 of 4 stars). 6 submissions from 6 submitters: Pathogenic (3); Likely pathogenic (3). Last evaluated 2024-12-26.

Conditions:
Cobalamin C disease. Also called: Vitamin B12 metabolic defect with combined deficiency of methylmalonyl-CoA mutase and homocysteine:methyltetrahydrofolate methyltransferase; Cobalamin-C methylmalonic acidemia and homocystinuria; Methylmalonic acidemia and homocystinuria cblC type; methylmalonic aciduria and homocystinuria type cblC; Methylmalonic aciduria and homocystinuria, Vitamin B12-responsive; Methylmalonic aciduria with homocystinuria cblC type. Identifiers: Orphanet 26, Orphanet 79282, MedGen C1848561, MONDO:0010184, OMIM 277400.

Allele frequency attached by ClinVar (database versions not stated): TOPMed 0.00001.
gnomAD v4.1: 6 of 1,614,020 alleles (0.00037%); highest among the groups gnomAD compares: African/African-American, 0.008%; no homozygotes.

Submissions (6):

Genetic Services Laboratory, University of Chicago
Classification: Pathogenic. Last evaluated: 2024-12-26. Review status: criteria provided, single submitter. Criteria: ACMG Guidelines, 2015. Collection method: clinical testing. Allele origin: germline. Affected: yes.
Comment: DNA sequence analysis of the MMACHC gene demonstrated a sequence change, c.481C>G, in exon 4 that results in an amino acid change, p.Arg161Gly. The p.Arg161Gly change affects a highly conserved amino acid residue located in a domain of the MMACHC protein that is not known to be functional. The p.Arg161Gly substitution appears to be deleterious/possibly damaging using several in-silico pathogenicity prediction tools (SIFT, PolyPhen2, Align GVGD, REVEL). This pathogenic sequence change has previously been described in the compound heterozygous state in an individual with cobalamin C deficiency (PMID: 16311595). This sequence change has not been described in population databases such as ExAC and gnomAD. The p.Arg161Gly amino acid change occurs in a region of the MMACHC gene where other missense sequence changes have been described in individuals with MMACHC-related disorders (PMIDs: 16311595, 17853453, 19370762, 19700356, 20219402, 21055272, 22560872, 25687216, 25809485, 26283149, 28218226). Functional studies demonstrate that the p.Arg161Gly sequence change results in reduced stability and impaired enzyme kinetics versus the wild-type MMACHC protein (PMIDs: 25809485, 32457044). Taken together, the available evidence indicates that this sequence change is pathogenic.

Labcorp Genetics (formerly Invitae), Labcorp
Classification: Pathogenic for Cobalamin C disease. Last evaluated: 2024-09-16. Review status: criteria provided, single submitter. Criteria: Invitae Variant Classification Sherloc (09022015). Collection method: clinical testing. Allele origin: germline.
Comment: This sequence change replaces arginine, which is basic and polar, with glycine, which is neutral and non-polar, at codon 161 of the MMACHC protein (p.Arg161Gly). This variant is not present in population databases (gnomAD no frequency). This missense change has been observed in individual(s) with cobalamin C deficiency (PMID: 16311595). In at least one individual the data is consistent with being in trans (on the opposite chromosome) from a pathogenic variant. ClinVar contains an entry for this variant (Variation ID: 813351). Invitae Evidence Modeling of protein sequence and biophysical properties (such as structural, functional, and spatial information, amino acid conservation, physicochemical variation, residue mobility, and thermodynamic stability) has been performed for this missense variant. However, the output from this modeling did not meet the statistical confidence thresholds required to predict the impact of this variant on MMACHC protein function. Experimental studies have shown that this missense change affects MMACHC function (PMID: 25809485, 32457044). This variant disrupts the p.Arg161 amino acid residue in MMACHC. Other variant(s) that disrupt this residue have been determined to be pathogenic (PMID: 16311595, 17853453, 19370762, 19700356, 20219402, 21055272, 22560872, 25687216, 25809485, 26283149, 28218226). This suggests that this residue is clinically significant, and that variants that disrupt this residue are likely to be disease-causing. For these reasons, this variant has been classified as Pathogenic.

Mayo Clinic Laboratories, Mayo Clinic
Classification: Pathogenic. Last evaluated: 2024-05-03. Review status: criteria provided, single submitter. Criteria: ACMG Guidelines, 2015. Collection method: clinical testing. Allele origin: germline. Observed: 1 variant allele.
Comment: PP3, PM1, PM2, PM5, PS3

Fulgent Genetics
Classification: Likely pathogenic for Cobalamin C disease. Last evaluated: 2024-03-13. Review status: criteria provided, single submitter. Criteria: ACMG Guidelines, 2015. Collection method: clinical testing. Allele origin: germline.

Genome-Nilou Lab
Classification: Likely pathogenic for Cobalamin C disease. Last evaluated: 2023-04-11. Review status: criteria provided, single submitter. Criteria: ACMG Guidelines, 2015. Collection method: clinical testing. Allele origin: germline. Affected: no.

Baylor Genetics
Classification: Likely pathogenic for Cobalamin C disease. Review status: criteria provided, single submitter. Criteria: ACMG Guidelines, 2015. Collection method: clinical testing. Allele origin: germline.

Literature cited by the submitters: PubMed 16311595 (cited by Labcorp Genetics (formerly Invitae), Labcorp and Mayo Clinic Laboratories, Mayo Clinic); PubMed 25809485 (cited by Labcorp Genetics (formerly Invitae), Labcorp and Mayo Clinic Laboratories, Mayo Clinic); PubMed 32457044 (cited by Labcorp Genetics (formerly Invitae), Labcorp and Mayo Clinic Laboratories, Mayo Clinic); PubMed 17853453 (cited by Labcorp Genetics (formerly Invitae), Labcorp); PubMed 19370762 (cited by Labcorp Genetics (formerly Invitae), Labcorp); PubMed 19700356 (cited by Labcorp Genetics (formerly Invitae), Labcorp); PubMed 20219402 (cited by Labcorp Genetics (formerly Invitae), Labcorp); PubMed 21055272 (cited by Labcorp Genetics (formerly Invitae), Labcorp); PubMed 22560872 (cited by Labcorp Genetics (formerly Invitae), Labcorp); PubMed 25687216 (cited by Labcorp Genetics (formerly Invitae), Labcorp); PubMed 26283149 (cited by Labcorp Genetics (formerly Invitae), Labcorp); PubMed 28218226 (cited by Labcorp Genetics (formerly Invitae), Labcorp); PubMed 20631720 (cited by Mayo Clinic Laboratories, Mayo Clinic).